The following is an entry in ClinVar:

NM_139119.3(YY1AP1):c.1773C>T (p.Ala591=)

Gene: YY1AP1 (YY1 associated protein 1; minus strand). Cytogenetic location: 1q22.
Variant type: single nucleotide variant.
Coding change: c.1773C>T on transcript NM_139119.3 (MANE Select); coding-DNA position 1773, C replaced by T.
Protein change: p.Ala591=; no amino-acid change (alanine 591 retained).
Molecular consequence: synonymous variant. On other transcripts: 3 prime UTR variant (1).
Genome position (GRCh38, 1-based): chr1:155,660,137, G>A on the plus strand (C>T on the coding strand, the complement: YY1AP1 is on the minus strand). VCF-style: chr1-155660137-G-A. GRCh37 (hg19) VCF-style: chr1-155629928-G-A.
Other names: c.1740C>T, p.Ala580= (NM_001198899.2, NM_001198900.2, NM_018253.4); c.1773C>T, p.Ala591= (NM_001198901.2, NM_001198902.2); c.2187C>T, p.Ala729= (NM_001198903.1); c.2127C>T, p.Ala709= (NM_001198904.1); c.1713C>T, p.Ala571= (NM_001198905.2); c.*716C>T (NM_001198906.2); c.1911C>T, p.Ala637= (NM_139118.3); c.1575C>T, p.Ala525= (NM_139121.3).
Identifiers: ClinVar variation 709137 (VCV000709137.7), dbSNP rs397834368, ClinGen allele CA1148426.
Genomic context (GRCh38, chr1:155,660,137, plus strand): 5'-GGAGGCCACAAGGGGCTGGTTCAATGGACAGGGGAAGGAAGTAGGGTTAACCAAGAGGGT[G>A]GCGATGGGAATAGTCTGGGGACTCTGGGCCACAGCCGCATTGACAGGCTGGATCATGTTA-3'
Protein context (NP_620830.1, residues 581-601): VAQSPQTIPI[Ala591=]TLLVNPTSFP

ClinVar aggregate classification (germline): Likely benign. Review status: criteria provided, multiple submitters, no conflicts (2 of 4 stars). 3 submissions from 3 submitters: Likely benign (2). 1 of the submissions does not count toward it. Last evaluated 2024-11-11.

Conditions:
YY1AP1-related disorder. Also called: YY1AP1-related condition.

Allele frequency attached by ClinVar (database versions not stated): gnomAD exomes 0.00058 and 0.00012; ExAC 0.00016; TOPMed 0.00053; gnomAD 0.00057 and 0.00058; 1000 Genomes Project 30x 0.00062.
gnomAD v4.1: 921 of 1,613,128 alleles (0.057%); highest among the groups gnomAD compares: Non-Finnish European, 0.073%; no homozygotes.

Submissions (3):

Blueprint Genetics
Classification: Likely benign. Last evaluated: 2024-11-11. Review status: criteria provided, single submitter. Criteria: ACMG Guidelines, 2015. Collection method: clinical testing. Allele origin: germline.

Labcorp Genetics (formerly Invitae), Labcorp
Classification: Likely benign. Last evaluated: 2019-12-31. Review status: criteria provided, single submitter. Criteria: Invitae Variant Classification Sherloc (09022015). Collection method: clinical testing. Allele origin: germline.

PreventionGenetics, part of Exact Sciences
Classification: Likely benign for YY1AP1-related condition. Last evaluated: 2020-04-24. Review status: no assertion criteria provided. Collection method: clinical testing. Allele origin: germline. Not counted in ClinVar's aggregate classification.
Comment: This variant is classified as likely benign based on ACMG/AMP sequence variant interpretation guidelines (Richards et al. 2015 PMID: 25741868, with internal and published modifications).